The following is an entry in ClinVar:

ClinVar aggregate classification (germline): Uncertain significance. Review status: criteria provided, multiple submitters, no conflicts (2 of 4 stars). 3 submissions from 3 submitters: Uncertain significance (3). Last evaluated 2026-02-18.

Conditions:
Inborn genetic diseases. Identifiers: MedGen C0950123, MeSH D030342.
Developmental and epileptic encephalopathy, 9 (DEE9). Also called: Early infantile epileptic encephalopathy 9; EPILEPSY, FEMALE-RESTRICTED, WITH MENTAL RETARDATION; JUBERG-HELLMAN SYNDROME; PCDH19-Related X-Linked Female-Limited Epilepsy with Mental Retardation. Identifiers: Orphanet 101039, Orphanet 2076, MedGen C1848137, MONDO:0010246, OMIM 300088. Disease mechanism: loss of function.

Allele frequency attached by ClinVar (database versions not stated): TOPMed 0.00001; ExAC 0.00002; gnomAD exomes 0.00002; gnomAD 0.00004; ESP Exome Variant Server 0.00010.
gnomAD v4.1: 30 of 1,209,652 alleles (0.0025%); highest among the groups gnomAD compares: Non-Finnish European, 0.0025%; no homozygotes.

Submissions (3):

Women's Health and Genetics/Laboratory Corporation of America, LabCorp
Classification: Uncertain significance. Last evaluated: 2026-02-18. Review status: criteria provided, single submitter. Criteria: LabCorp Variant Classification Summary - May 2015. Collection method: clinical testing. Allele origin: germline.
Comment: Variant summary: PCDH19 c.3355G>A (p.Glu1119Lys) results in a conservative amino acid change in the encoded protein sequence. Algorithms developed to predict the effect of missense changes on protein structure and function are either unavailable or do not agree on the potential impact of this missense change. The variant was absent in 181638 control chromosomes. The available data on variant occurrences in the general population are insufficient to allow any conclusion about variant significance. c.3355G>A has been reported as a pathogenic/likely pathogenic variant in at least one family or individual analyzed as part of the Cincinnati Clinical Exome Pipeline Analysis Suite (CCEPAS), without specifying the evidence rationale underlying the reported outcome (Valencia_2018). This report does not provide unequivocal conclusions about association of the variant with Developmental And Epileptic Encephalopathy, 9. To our knowledge, no experimental evidence demonstrating an impact on protein function has been reported. ClinVar contains an entry for this variant (Variation ID: 658348). Based on the evidence outlined above, the variant was classified as uncertain significance.

Labcorp Genetics (formerly Invitae), Labcorp
Classification: Uncertain significance for Developmental and epileptic encephalopathy, 9. Last evaluated: 2025-08-26. Review status: criteria provided, single submitter. Criteria: Invitae Variant Classification Sherloc (09022015). Collection method: clinical testing. Allele origin: germline.
Comment: This sequence change replaces glutamic acid, which is acidic and polar, with lysine, which is basic and polar, at codon 1119 of the PCDH19 protein (p.Glu1119Lys). This variant is not present in population databases (gnomAD no frequency). This variant has not been reported in the literature in individuals affected with PCDH19-related conditions. ClinVar contains an entry for this variant (Variation ID: 658348). Invitae Evidence Modeling of protein sequence and biophysical properties (such as structural, functional, and spatial information, amino acid conservation, physicochemical variation, residue mobility, and thermodynamic stability) indicates that this missense variant is not expected to disrupt PCDH19 protein function with a negative predictive value of 95%. In summary, the available evidence is currently insufficient to determine the role of this variant in disease. Therefore, it has been classified as a Variant of Uncertain Significance.

Ambry Genetics
Classification: Uncertain significance for Inborn genetic diseases. Last evaluated: 2025-05-05. Review status: criteria provided, single submitter. Criteria: Ambry Variant Classification Scheme 2023. Collection method: clinical testing. Allele origin: germline.

NM_001184880.2(PCDH19):c.3355G>A (p.Glu1119Lys)

Gene: PCDH19 (protocadherin 19; minus strand). Cytogenetic location: Xq22.1.
Variant type: single nucleotide variant.
Coding change: c.3355G>A on transcript NM_001184880.2 (MANE Select); coding-DNA position 3355, G replaced by A.
Protein change: p.Glu1119Lys; replaces glutamic acid 1119 with lysine.
Molecular consequence: missense variant.
Genome position (GRCh38, 1-based): chrX:100,296,369, C>T on the plus strand (G>A on the coding strand, the complement: PCDH19 is on the minus strand). VCF-style: chrX-100296369-C-T. GRCh37 (hg19) VCF-style: chrX-99551367-C-T.
Other names: c.3214G>A, p.Glu1072Lys (NM_001105243.2); c.3211G>A, p.Glu1071Lys (NM_020766.3); short protein forms E1119K, E1071K, E1072K.
Identifiers: ClinVar variation 658348 (VCV000658348.15), dbSNP rs369647740, ClinGen allele CA10468629.